The following is an entry in ClinVar:

ClinVar aggregate classification (germline): Uncertain significance. Review status: criteria provided, multiple submitters, no conflicts (2 of 4 stars). 2 submissions from 2 submitters: Uncertain significance (2). Last evaluated 2025-08-27.

Conditions:
Juvenile polyposis syndrome (JPS). Identifiers: Orphanet 2929, MedGen C0345893, MONDO:0017380, OMIM 174900.
Hereditary cancer-predisposing syndrome. Also called: Hereditary neoplastic syndrome; Neoplastic Syndromes, Hereditary; Tumor predisposition; Hereditary Cancer Syndrome. Identifiers: Orphanet 140162, MedGen C0027672, MeSH D009386, MONDO:0015356.

Submissions (2):

Ambry Genetics
Classification: Uncertain significance for Hereditary cancer-predisposing syndrome. Last evaluated: 2025-08-27. Review status: criteria provided, single submitter. Criteria: Ambry Variant Classification Scheme 2023. Collection method: clinical testing. Allele origin: germline.
Comment: The p.V226_Q227del variant (also known as c.676_681delGTTCAG) is located in coding exon 7 of the BMPR1A gene. This variant results from an in-frame GTTCAG deletion at nucleotide positions 676 to 681. This results in the in-frame deletion of two amino acids (VQ) at codons 226 and 227. The deleted amino acid positions are highly conserved in available vertebrate species. In addition, this alteration is predicted to be deleterious by in silico analysis (Choi Y et al. PLoS ONE. 2012; 7(10):e46688). Since supporting evidence is limited at this time, the clinical significance of this alteration remains unclear.

Labcorp Genetics (formerly Invitae), Labcorp
Classification: Uncertain significance for Juvenile polyposis syndrome. Last evaluated: 2025-05-21. Review status: criteria provided, single submitter. Criteria: Invitae Variant Classification Sherloc (09022015). Collection method: clinical testing. Allele origin: germline.
Comment: This variant, c.676_681del, results in the deletion of 2 amino acid(s) of the BMPR1A protein (p.Val226_Gln227del), but otherwise preserves the integrity of the reading frame. This variant is not present in population databases (gnomAD no frequency). This variant has not been reported in the literature in individuals affected with BMPR1A-related conditions. ClinVar contains an entry for this variant (Variation ID: 1755310). Algorithms developed to predict the effect of sequence changes on RNA splicing suggest that this variant may disrupt the consensus splice site. In summary, the available evidence is currently insufficient to determine the role of this variant in disease. Therefore, it has been classified as a Variant of Uncertain Significance.

NM_004329.2(BMPR1A):c.676_681delGTTCAG

Gene: BMPR1A (bone morphogenetic protein receptor type 1A; plus strand). Cytogenetic location: 10q23.2.
Variant type: Deletion.
Coding change: c.676_681delGTTCAG on transcript NM_004329.2; coding-DNA positions 676 to 681, 6 bases deleted (GTTCAG).
Molecular consequence: splice acceptor variant (on NM_001406583.1).
Genome position (GRCh38, 1-based): chr10:86,917,134-86,917,139, GTTCAG deleted; deleting any 6 consecutive bases within chr10:86,917,132-86,917,139 gives the same sequence; the c. name uses the placement nearest the transcript's 3' end. VCF-style (leftmost placement, unchanged base first): chr10-86917131-AAGGTTC-A. GRCh37 (hg19) VCF-style: chr10-88676888-AAGGTTC-A.
Other names: c.676-6_676-1del (NM_001406583.1).
Identifiers: ClinVar variation 1755310 (VCV001755310.5), dbSNP rs2539602394, ClinGen allele CA2580082094.